The following is an entry in ClinVar:

NM_018089.3(ANKZF1):c.410G>C (p.Ser137Thr)

Gene: ANKZF1 (ankyrin repeat and zinc finger peptidyl tRNA hydrolase 1; plus strand). Cytogenetic location: 2q35.
Variant type: single nucleotide variant.
Coding change: c.410G>C on transcript NM_018089.3 (MANE Select); coding-DNA position 410, G replaced by C.
Protein change: p.Ser137Thr; replaces serine 137 with threonine.
Molecular consequence: missense variant. On other transcripts: 5 prime UTR variant (1).
Genome position (GRCh38, 1-based): chr2:219,232,535, G>C. VCF-style: chr2-219232535-G-C. GRCh37 (hg19) VCF-style: chr2-220097257-G-C.
Other names: p.Ser137Thr; c.410G>C, p.Ser137Thr (NM_001042410.2); c.-221G>C (NM_001282792.2); c.410G>C (NM_018089.2); short protein forms S137T.
Identifiers: ClinVar variation 1167466 (VCV001167466.13), dbSNP rs61747682, ClinGen allele CA2120748.
Genomic context (GRCh38, chr2:219,232,535, plus strand): 5'-ATTGTCTGTCTTCAGGAGATCTTTCCAGCATCTCGGGATCAGAAGACTCAGACTCAGCCA[G>C]TGAGGAGGACTTGCAGACACTGGATCGGGAGAGGGCTACATTTGAGAAGTTGAGCCGACC-3'
Protein context (NP_060559.2, residues 127-147): ISGSEDSDSA[Ser137Thr]EEDLQTLDRE

ClinVar aggregate classification (germline): Benign. Review status: criteria provided, multiple submitters, no conflicts (2 of 4 stars). 4 submissions from 4 submitters: Benign (3). 1 of the submissions does not count toward it. Last evaluated 2026-02-01.

Conditions:
ANKZF1-related disorder. Also called: ANKZF1-related condition.

Allele frequency attached by ClinVar (database versions not stated): gnomAD exomes 0.01713 and 0.02740; ExAC 0.02936; ESP Exome Variant Server 0.03984; gnomAD 0.04340 and 0.04450; 1000 Genomes Project 0.05212; 1000 Genomes Project 30x 0.05231.
gnomAD v4.1: 31,998 of 1,614,224 alleles (2%); highest among the groups gnomAD compares: East Asian, 11%; 888 homozygotes.

Submissions (4):

Labcorp Genetics (formerly Invitae), Labcorp
Classification: Benign. Last evaluated: 2026-02-01. Review status: criteria provided, single submitter. Criteria: Invitae Variant Classification Sherloc (09022015). Collection method: clinical testing. Allele origin: germline.

Mayo Clinic Laboratories, Mayo Clinic
Classification: Benign. Last evaluated: 2024-06-06. Review status: criteria provided, single submitter. Criteria: ACMG Guidelines, 2015. Collection method: clinical testing. Allele origin: germline. Observed: 5 variant alleles.

Breakthrough Genomics
Classification: Benign. Review status: criteria provided, single submitter. Criteria: ACMG Guidelines, 2015. Collection method: not provided. Allele origin: germline. Inheritance: Unknown mechanism. Affected: yes.

PreventionGenetics, part of Exact Sciences
Classification: Benign for ANKZF1-related condition. Last evaluated: 2020-01-02. Review status: no assertion criteria provided. Collection method: clinical testing. Allele origin: germline. Not counted in ClinVar's aggregate classification.
Comment: This variant is classified as benign based on ACMG/AMP sequence variant interpretation guidelines (Richards et al. 2015 PMID: 25741868, with internal and published modifications).